The following is an entry in ClinVar:

ClinVar aggregate classification (germline): Uncertain significance. Review status: criteria provided, multiple submitters, no conflicts (2 of 4 stars). 3 submissions from 3 submitters: Uncertain significance (3). Last evaluated 2025-07-02.

Conditions:
Charcot-Marie-Tooth disease type 2R. Also called: CHARCOT-MARIE-TOOTH DISEASE, AXONAL, AUTOSOMAL RECESSIVE, TYPE 2R; CHARCOT-MARIE-TOOTH NEUROPATHY, TYPE 2R; Charcot-Marie-Tooth disease, axonal, type 2R. Identifiers: Orphanet 397968, MedGen C3809655, MONDO:0014208, OMIM 615490.

Allele frequency attached by ClinVar (database versions not stated): ExAC 0.00009; gnomAD 0.00007 and 0.00008; gnomAD exomes 0.00007; TOPMed 0.00007; ESP Exome Variant Server 0.00008.
gnomAD v4.1: 96 of 1,613,196 alleles (0.006%); highest among the groups gnomAD compares: Non-Finnish European, 0.0073%; no homozygotes.

Submissions (3):

Ambry Genetics
Classification: Uncertain significance. Last evaluated: 2025-07-02. Review status: criteria provided, single submitter. Criteria: Ambry Variant Classification Scheme 2023. Collection method: clinical testing. Allele origin: germline.

Labcorp Genetics (formerly Invitae), Labcorp
Classification: Uncertain significance for Charcot-Marie-Tooth disease type 2R. Last evaluated: 2024-12-12. Review status: criteria provided, single submitter. Criteria: Invitae Variant Classification Sherloc (09022015). Collection method: clinical testing. Allele origin: germline.
Comment: This sequence change replaces arginine, which is basic and polar, with glutamine, which is neutral and polar, at codon 139 of the TRIM2 protein (p.Arg139Gln). This variant is present in population databases (rs146252965, gnomAD 0.01%). This variant has not been reported in the literature in individuals affected with TRIM2-related conditions. ClinVar contains an entry for this variant (Variation ID: 474609). An algorithm developed to predict the effect of missense changes on protein structure and function (PolyPhen-2) suggests that this variant¬†is likely to be tolerated. In summary, the available evidence is currently insufficient to determine the role of this variant in disease. Therefore, it has been classified as a Variant of Uncertain Significance.

GeneDx
Classification: Uncertain significance. Last evaluated: 2018-12-12. Review status: criteria provided, single submitter. Criteria: GeneDx Variant Classification Process June 2021. Collection method: clinical testing. Allele origin: germline. Affected: yes.
Comment: Not observed at a significant frequency in large population cohorts (Lek et al., 2016); In silico analysis, which includes protein predictors and evolutionary conservation, supports that this variant does not alter protein structure/function; Has not been previously published as pathogenic or benign to our knowledge

NM_015271.5(TRIM2):c.497G>A (p.Arg166Gln)

Gene: TRIM2 (tripartite motif containing 2; plus strand). Cytogenetic location: 4q31.3.
Variant type: single nucleotide variant.
Coding change: c.497G>A on transcript NM_015271.5 (MANE Select); coding-DNA position 497, G replaced by A.
Protein change: p.Arg166Gln; replaces arginine 166 with glutamine.
Molecular consequence: missense variant.
Genome position (GRCh38, 1-based): chr4:153,293,025, G>A. VCF-style: chr4-153293025-G-A. GRCh37 (hg19) VCF-style: chr4-154214177-G-A.
Other names: c.416G>A, p.Arg139Gln (NM_001130067.2, NM_001351056.2); c.470G>A, p.Arg157Gln (NM_001351054.2); c.467G>A, p.Arg156Gln (NM_001351055.2); c.41G>A, p.Arg14Gln (NM_001351057.2); c.497G>A (NM_015271.3); short protein forms R139Q, R14Q, R157Q, R166Q, R156Q.
Identifiers: ClinVar variation 474609 (VCV000474609.11), dbSNP rs146252965, ClinGen allele CA3108562.